The following is an entry in ClinVar:

NC_000015.9:g.(?_28263523)_(28263723_?)del

Gene: OCA2 (OCA2 melanosomal transmembrane protein; minus strand). Cytogenetic location: 15q13.1.
Variant type: Deletion.
Identifiers: ClinVar variation 1074425 (VCV001074425.5).

ClinVar aggregate classification (germline): Pathogenic (1 of 4 stars; one submission).

Submission:

Labcorp Genetics (formerly Invitae), Labcorp
Classification: Pathogenic. Last evaluated: 2022-11-01. Review status: criteria provided, single submitter. Criteria: Invitae Variant Classification Sherloc (09022015). Collection method: clinical testing. Allele origin: germline.
Comment: This variant is a gross deletion of the genomic region encompassing exon(s) 7 of the OCA2 gene. This deletion is out-of-frame, and is expected to create a premature termination codon and result in an absent or disrupted protein product. Loss-of-function variants in OCA2 are known to be pathogenic (PMID: 19865097, 21541274). A similar copy number variant has been observed in individuals with oculocutaneous albinism (PMID: 27734839, 28451379). For these reasons, this variant has been classified as Pathogenic.

Literature cited by the submitters: PubMed 19865097; PubMed 21541274; PubMed 27734839; PubMed 28451379.